The following is an entry in ClinVar:

ClinVar aggregate classification (germline): Uncertain significance (1 of 4 stars; one submission).

Conditions:
Baller-Gerold syndrome (BGS). Also called: CRANIOSYNOSTOSIS WITH RADIAL DEFECTS. Identifiers: Orphanet 1225, MedGen C0265308, MONDO:0009039, OMIM 218600.

Submission:

Labcorp Genetics (formerly Invitae), Labcorp
Classification: Uncertain significance for Baller-Gerold syndrome. Last evaluated: 2020-12-31. Review status: criteria provided, single submitter. Criteria: Invitae Variant Classification Sherloc (09022015). Collection method: clinical testing. Allele origin: germline.
Comment: In summary, the available evidence is currently insufficient to determine the role of this variant in disease. Therefore, it has been classified as a Variant of Uncertain Significance. This variant has not been reported in the literature in individuals with RECQL4-related conditions. This variant is not present in population databases (ExAC no frequency). This sequence change replaces leucine with methionine at codon 584 of the RECQL4 protein (p.Leu584Met). The leucine residue is highly conserved and there is a small physicochemical difference between leucine and methionine.

NM_004260.4(RECQL4):c.1750C>A (p.Leu584Met)

Gene: RECQL4 (RecQ like helicase 4; minus strand). Cytogenetic location: 8q24.3.
Variant type: single nucleotide variant.
Coding change: c.1750C>A on transcript NM_004260.4 (MANE Select); coding-DNA position 1750, C replaced by A.
Protein change: p.Leu584Met; replaces leucine 584 with methionine.
Molecular consequence: missense variant.
Genome position (GRCh38, 1-based): chr8:144,514,317, G>T on the plus strand (C>A on the coding strand, the complement: RECQL4 is on the minus strand). VCF-style: chr8-144514317-G-T. GRCh37 (hg19) VCF-style: chr8-145739701-G-T.
Other names: short protein forms L584M.
Identifiers: ClinVar variation 1499082 (VCV001499082.6), dbSNP rs2130696442, ClinGen allele CA372681085.